The following is an entry in ClinVar:

ClinVar aggregate classification (germline): Uncertain significance (1 of 4 stars; one submission).

Conditions:
Inborn genetic diseases. Identifiers: MedGen C0950123, MeSH D030342.

gnomAD v4.1: 32 of 1,613,504 alleles (0.002%); highest among the groups gnomAD compares: Non-Finnish European, 0.0025%; no homozygotes.

Submission:

Ambry Genetics
Classification: Uncertain significance for Inborn genetic diseases. Last evaluated: 2025-01-09. Review status: criteria provided, single submitter. Criteria: Ambry Variant Classification Scheme 2023. Collection method: clinical testing. Allele origin: germline.
Comment: The p.G493C variant (also known as c.1477G>T), located in coding exon 7 of the SH2B3 gene, results from a G to T substitution at nucleotide position 1477. The glycine at codon 493 is replaced by cysteine, an amino acid with highly dissimilar properties. This amino acid position is conserved. In addition, this alteration is predicted to be tolerated by in silico analysis. Based on the available evidence, the clinical significance of this variant remains unclear.

NM_005475.3(SH2B3):c.1477G>T (p.Gly493Cys)

Gene: SH2B3 (SH2B adaptor protein 3; plus strand). Cytogenetic location: 12q24.12.
Variant type: single nucleotide variant.
Coding change: c.1477G>T on transcript NM_005475.3 (MANE Select); coding-DNA position 1477, G replaced by T.
Protein change: p.Gly493Cys; replaces glycine 493 with cysteine.
Molecular consequence: missense variant.
Genome position (GRCh38, 1-based): chr12:111,448,051, G>T. VCF-style: chr12-111448051-G-T. GRCh37 (hg19) VCF-style: chr12-111885855-G-T.
Other names: c.871G>T, p.Gly291Cys (NM_001291424.1); short protein forms G291C, G493C.
Identifiers: ClinVar variation 3795094 (VCV003795094.1).